The following is an entry in ClinVar:

NM_201384.3(PLEC):c.5166G>A (p.Thr1722=)

Gene: PLEC (plectin; minus strand). Cytogenetic location: 8q24.3.
Variant type: single nucleotide variant.
Coding change: c.5166G>A on transcript NM_201384.3 (MANE Select); coding-DNA position 5166, G replaced by A.
Protein change: p.Thr1722=; no amino-acid change (threonine 1722 retained).
Molecular consequence: synonymous variant.
Genome position (GRCh38, 1-based): chr8:143,924,763, C>T on the plus strand (G>A on the coding strand, the complement: PLEC is on the minus strand). VCF-style: chr8-143924763-C-T. GRCh37 (hg19) VCF-style: chr8-144998931-C-T.
Other names: c.5247G>A (NM_000445.4); c.5247G>A, p.Thr1749= (NM_000445.5); c.5124G>A, p.Thr1708= (NM_201378.4); c.5100G>A, p.Thr1700= (NM_201379.3); c.5577G>A, p.Thr1859= (NM_201380.4); c.5070G>A, p.Thr1690= (NM_201381.3); c.5166G>A, p.Thr1722= (NM_201382.4); c.5178G>A, p.Thr1726= (NM_201383.3).
Identifiers: ClinVar variation 594614 (VCV000594614.9), dbSNP rs782597397, ClinGen allele CA4926408.
Genomic context (GRCh38, chr8:143,924,763, plus strand): 5'-CTCACGCTGCAGCCGGGCCAGCTCCTCCTCCAGCAGCTGCCGCTGCTGCTCCCCCTGCTC[C>T]GTCTCGGCCCGCAGCCGGATCAACTCCTGCTCCGCGGCCAGGCGCTGCTGCGCGGTGCCT-3'
Protein context (NP_958786.1, residues 1712-1732): EQELIRLRAE[Thr1722=]EQGEQQRQLL

ClinVar aggregate classification (germline): Conflicting classifications of pathogenicity. Review status: criteria provided, conflicting classifications (1 of 4 stars). 4 submissions from 4 submitters: Uncertain significance (1); Likely benign (3). Last evaluated 2025-10-29.

Conditions:
PLEC-related disorder. Also called: PLEC-related disorders; PLEC-related condition.
Epidermolysis bullosa simplex 5C, with pyloric atresia (EBS5C). Also called: PLEC-Related Epidermolysis Bullosa with Pyloric Atresia; PLEC1-Related Epidermolysis Bullosa with Pyloric Atresia; Epidermolysis bullosa simplex with pyloric atresia. Identifiers: Orphanet 158684, MedGen C2677349, MONDO:0012807, OMIM 612138.
Epidermolysis bullosa simplex, Ogna type (EBS5A). Also called: Pidermolysis bullosa simplex 5A, Ogna type; EPIDERMOLYSIS BULLOSA SIMPLEX 5A, OGNA TYPE. Identifiers: Orphanet 79401, MedGen C0432317, MONDO:0007555, OMIM 131950.
Epidermolysis bullosa simplex 5B, with muscular dystrophy (EBS5B). Also called: Epidermolysis bullosa simplex with muscular dystrophy; EPIDERMOLYSIS BULLOSA SIMPLEX AND LIMB-GIRDLE MUSCULAR DYSTROPHY. Identifiers: Orphanet 257, MedGen C2931072, MONDO:0009181, OMIM 226670.
Epidermolysis bullosa simplex with nail dystrophy (EBS5D). Identifiers: MedGen C4225309, MONDO:0014661, OMIM 616487.
Autosomal recessive limb-girdle muscular dystrophy type 2Q (LGMDR17). Also called: MUSCULAR DYSTROPHY, LIMB-GIRDLE, AUTOSOMAL RECESSIVE 17. Identifiers: Orphanet 254361, MedGen C3150989, MONDO:0013390, OMIM 613723.

Allele frequency attached by ClinVar (database versions not stated): ExAC below 0.00001; gnomAD 0.00001; gnomAD exomes 0.00002 and 0.00005; TOPMed 0.00002; 1000 Genomes Project 30x 0.00016.
gnomAD v4.1: 36 of 1,535,274 alleles (0.0023%); highest among the groups gnomAD compares: East Asian, 0.037%; no homozygotes.

Submissions (4):

Labcorp Genetics (formerly Invitae), Labcorp
Classification: Likely benign for Autosomal recessive limb-girdle muscular dystrophy type 2Q; Epidermolysis bullosa simplex, Ogna type; Epidermolysis bullosa simplex with nail dystrophy; Epidermolysis bullosa simplex 5C, with pyloric atresia; Epidermolysis bullosa simplex 5B, with muscular dystrophy. Last evaluated: 2025-10-29. Review status: criteria provided, single submitter. Criteria: Invitae Variant Classification Sherloc (09022015). Collection method: clinical testing. Allele origin: germline.

PreventionGenetics, part of Exact Sciences
Classification: Likely benign for PLEC-related condition. Last evaluated: 2024-11-12. Review status: criteria provided, single submitter. Criteria: ACMG Guidelines, 2015. Collection method: clinical testing. Allele origin: germline.
Comment: This variant is classified as likely benign based on ACMG/AMP sequence variant interpretation guidelines (Richards et al. 2015 PMID: 25741868, with internal and published modifications).

Blueprint Genetics
Classification: Likely benign. Last evaluated: 2024-08-30. Review status: criteria provided, single submitter. Criteria: ACMG Guidelines, 2015. Collection method: clinical testing. Allele origin: germline.

Eurofins Ntd Llc (ga)
Classification: Uncertain significance. Last evaluated: 2017-10-25. Review status: criteria provided, single submitter. Criteria: EGL Classification Definitions 2015. Collection method: clinical testing. Allele origin: germline. Observed: 1 variant allele, 1 heterozygote.